The following is an entry in ClinVar:

NM_022893.4(BCL11A):c.1343C>T (p.Pro448Leu)

Gene: BCL11A (BCL11 transcription factor A; minus strand). Cytogenetic location: 2p16.1.
Variant type: single nucleotide variant.
Coding change: c.1343C>T on transcript NM_022893.4 (MANE Select); coding-DNA position 1343, C replaced by T.
Protein change: p.Pro448Leu; replaces proline 448 with leucine.
Molecular consequence: missense variant. On other transcripts: intron variant (6).
Genome position (GRCh38, 1-based): chr2:60,461,569, G>A on the plus strand (C>T on the coding strand, the complement: BCL11A is on the minus strand). VCF-style: chr2-60461569-G-A. GRCh37 (hg19) VCF-style: chr2-60688704-G-A.
Other names: c.1241C>T, p.Pro414Leu (NM_001363864.1, NM_001365609.1, NM_001405711.1 and 2 more transcripts); c.1343C>T, p.Pro448Leu (NM_001405708.1, NM_001405709.1, NM_001405710.1 and 1 more transcripts); c.1187C>T, p.Pro396Leu (NM_001405713.1, NM_001405714.1, NM_001405715.1 and 3 more transcripts); c.1085C>T, p.Pro362Leu (NM_001405717.1, NM_001405718.1, NM_001405724.1); c.1010C>T, p.Pro337Leu (NM_001405720.1, NM_001405721.1); c.887C>T, p.Pro296Leu (NM_001405725.1, NM_001405726.1, NM_001405727.1 and 1 more transcripts); c.650C>T, p.Pro217Leu (NM_001405729.1); c.806C>T, p.Pro269Leu (NM_001405730.1); and 5 more; short protein forms P117L, P217L, P269L, P296L, P337L, P362L, P396L, P414L.
Identifiers: ClinVar variation 3373100 (VCV003373100.1).

ClinVar aggregate classification (germline): Uncertain significance (1 of 4 stars; one submission).

gnomAD v4.1: 1 of 1,612,032 alleles (0.000062%); highest among the groups gnomAD compares: Non-Finnish European, 0.000085%; no homozygotes.

Submission:

GeneDx
Classification: Uncertain significance. Last evaluated: 2024-04-24. Review status: criteria provided, single submitter. Criteria: GeneDx Variant Classification Process June 2021. Collection method: clinical testing. Allele origin: germline. Affected: yes.
Comment: Not observed at significant frequency in large population cohorts (gnomAD); In silico analysis supports that this missense variant has a deleterious effect on protein structure/function; Has not been previously published as pathogenic or benign to our knowledge